The following is an entry in ClinVar:

NM_000179.3(MSH6):c.260+2_260+3delinsAG

Genes: MSH6 (mutS homolog 6; plus strand), LOC129933707 (ATAC-STARR-seq lymphoblastoid silent region 11468; plus strand). Cytogenetic location: 2p16.3.
Variant type: Indel.
Coding change: c.260+2_260+3delinsAG on transcript NM_000179.3 (MANE Select); the canonical splice donor site of the intron after coding-DNA position 260 through 3 bases into the intron after coding-DNA position 260, TA replaced by AG.
Molecular consequence: splice donor variant. On other transcripts: intron variant (1).
Genome position (GRCh38, 1-based): chr2:47,783,495-47,783,496, TA replaced by AG. VCF-style: chr2-47783495-TA-AG. GRCh37 (hg19) VCF-style: chr2-48010634-TA-AG.
Other names: c.-477+2_-477+3delinsAG (NM_001281493.2); c.237+25_237+26delinsAG (NM_001281492.2); c.260+2_260+3delTAinsAG (NM_000179.2).
Identifiers: ClinVar variation 419737 (VCV000419737.17), dbSNP rs1064794075, ClinGen allele CA16617623.
Genomic context (GRCh38, chr2:47,783,495, plus strand): 5'-AAGGCGAAGAACCTCAACGGAGGGCTGCGGAGATCGGTAGCGCCTGCTGCCCCCACCAGG[TA>AG]GCGGGGTGGGGGTGGGGTCGAAGGCGGGGGCATAGCGGCGGGGCGCTTGGAACCCGGCGA-3'

ClinVar aggregate classification (germline): Likely pathogenic. Review status: criteria provided, multiple submitters, no conflicts (2 of 4 stars). 5 submissions from 5 submitters: Likely pathogenic (5). Last evaluated 2026-02-25.

Conditions:
Lynch syndrome 5 (LYNCH5). Also called: Hereditary non-polyposis colorectal cancer, type 5; Colorectal cancer, hereditary nonpolyposis, type 5. Identifiers: Orphanet 144, MedGen C1833477, MONDO:0013710, OMIM 614350. Disease mechanism: loss of function.
Hereditary nonpolyposis colorectal neoplasms. Identifiers: MedGen C0009405, MeSH D003123.
Hereditary cancer-predisposing syndrome. Also called: Hereditary neoplastic syndrome; Tumor predisposition; Neoplastic Syndromes, Hereditary; Hereditary Cancer Syndrome. Identifiers: Orphanet 140162, MedGen C0027672, MeSH D009386, MONDO:0015356.

Submissions (5):

GeneDx
Classification: Likely pathogenic. Last evaluated: 2026-02-25. Review status: criteria provided, single submitter. Criteria: GeneDx Variant Classification Process June 2021. Collection method: clinical testing. Allele origin: germline. Affected: yes.
Comment: Canonical splice site variant predicted to result in a null allele in a gene for which loss of function is a known mechanism of disease; Not observed at significant frequency in large population cohorts (gnomAD); This variant is associated with the following publications: (PMID: 29107668)

Labcorp Genetics (formerly Invitae), Labcorp
Classification: Likely pathogenic for Hereditary nonpolyposis colorectal neoplasms. Last evaluated: 2025-07-10. Review status: criteria provided, single submitter. Criteria: Invitae Variant Classification Sherloc (09022015). Collection method: clinical testing. Allele origin: germline.
Comment: This sequence change affects a splice site in intron 1 of the MSH6 gene. It is expected to disrupt RNA splicing. Variants that disrupt the donor or acceptor splice site typically lead to a loss of protein function (PMID: 16199547), and loss-of-function variants in MSH6 are known to be pathogenic (PMID: 18269114, 24362816). Information on the frequency of this variant in the gnomAD database is not available, as this variant may be reported differently in the database. Disruption of this splice site has been observed in individual(s) with Lynch syndrome (PMID: 29107668). ClinVar contains an entry for this variant (Variation ID: 419737). Studies have shown that disruption of this splice site is associated with altered splicing resulting in multiple RNA products (internal data). In summary, the currently available evidence indicates that the variant is pathogenic, but additional data are needed to prove that conclusively. Therefore, this variant has been classified as Likely Pathogenic.

Ambry Genetics
Classification: Likely pathogenic for Hereditary cancer-predisposing syndrome. Last evaluated: 2025-03-13. Review status: criteria provided, single submitter. Criteria: Ambry Variant Classification Scheme 2023. Collection method: clinical testing. Allele origin: germline.
Comment: The c.260+2_260+3delTAinsAG intronic variant, located in intron 1 of the MSH6 gene, results from an in-frame deletion of two nucleotides and the insertion of two nucleotides at nucleotide position 260+2_206+3. This alteration was detected in an individual whose rectal tumor demonstrated loss of MSH6 expression on immunohistochemistry and in another individual diagnosed with uterine cancer, whose family history met Amsterdam criteria (Ambry internal data). This nucleotide region is highly conserved through mammals but not conserved in lower vertebrate species. In silico splice site analysis predicts that this alteration will weaken the native splice donor site and may result in the creation or strengthening of a novel splice donor site; however, direct evidence is insufficient at this time (Ambry internal data). Alterations that disrupt the canonical splice site are expected to cause aberrant splicing, resulting in an abnormal protein or a transcript that is subject to nonsense-mediated mRNA decay. As such, this alteration is classified as likely pathogenic.

Myriad Genetics, Inc.
Classification: Likely pathogenic for Lynch syndrome 5. Last evaluated: 2023-08-10. Review status: criteria provided, single submitter. Criteria: Myriad Autosomal Dominant, Autosomal Recessive and X-Linked Classification Criteria (2023). Collection method: clinical testing. Allele origin: unknown.
Comment: This variant is considered likely pathogenic. This variant occurs within a consensus splice junction and is predicted to result in abnormal mRNA splicing of either an out-of-frame exon or an in-frame exon necessary for protein stability and/or normal function.

Color Diagnostics, LLC DBA Color Health
Classification: Likely pathogenic for Hereditary cancer-predisposing syndrome. Last evaluated: 2022-09-27. Review status: criteria provided, single submitter. Criteria: ACMG Guidelines, 2015. Collection method: clinical testing. Allele origin: germline.
Comment: This variant deletes two nucleotides and inserts two nucleotides in intron 1 of the MSH6 gene. Splice site prediction tools suggest that this variant may have a significant impact on RNA splicing. Although this prediction has not been confirmed in published RNA studies, this variant is expected to result in an absent or disrupted protein product. This variant has not been reported in individuals affected with hereditary cancer in the literature. This variant has not been identified in the general population by the Genome Aggregation Database (gnomAD). Loss of MSH6 function is a known mechanism of disease. Based on the available evidence, this variant is classified as Likely Pathogenic.

Literature cited by the submitters: PubMed 16199547 (cited by Labcorp Genetics (formerly Invitae), Labcorp); PubMed 18269114 (cited by Labcorp Genetics (formerly Invitae), Labcorp); PubMed 24362816 (cited by Labcorp Genetics (formerly Invitae), Labcorp); PubMed 29107668 (cited by Labcorp Genetics (formerly Invitae), Labcorp and Ambry Genetics).